The following is an entry in ClinVar:

ClinVar aggregate classification (germline): Pathogenic. Review status: criteria provided, multiple submitters, no conflicts (2 of 4 stars). 16 submissions from 16 submitters: Pathogenic (12). 4 of the submissions do not count toward it. Last evaluated 2026-04-13.

Conditions:
KRT14-related disorder. Also called: KRT14-related condition.
Epidermolysis bullosa simplex 1A, generalized severe (EBS1A). Also called: Epidermolysis bullosa simplex Dowling-Meara type. Identifiers: Orphanet 79396, MedGen C0079295, MONDO:0007550, OMIM 131760.
Epidermolysis bullosa simplex, Koebner type. Identifiers: Orphanet 79399, MedGen C5561924, MONDO:0007554, OMIM 131900.
Inborn genetic diseases. Identifiers: MedGen C0950123, MeSH D030342.
Epidermolysis bullosa simplex. Also called: Epidermolysis bullosa simplex, Weber-Cockayne type (subtype); Epidermolysis bullosa simplex, Dowling-Meara type (subtype); Epidermolysis bullosa simplex with mottled pigmentation (subtype). Identifiers: Orphanet 304, MedGen C0079298, MONDO:0017610.

Submissions 1 to 8 of 16:

PreventionGenetics, part of Exact Sciences
Classification: Pathogenic for KRT14-related condition. Last evaluated: 2026-04-13. Review status: criteria provided, single submitter. Criteria: ACMG Guidelines, 2015. Collection method: clinical testing. Allele origin: germline.
Comment: The KRT14 c.373C>T variant is predicted to result in the amino acid substitution p.Arg125Cys. This variant has been reported in many individuals with epidermolysis bullosa simplex, including several in whom the variant occurred de novo (see, for example, Coulombe et al. 1991. PubMed ID: 1717157; Pfendner et al. 2005. PubMed ID: 16098032; Table S1, Chen et al. 2023. PubMed ID: 36287101). Functional studies support its pathogenicity (Coulombe et al. 1991. PubMed ID: 1717157; Fujiwara et al. 2020. PubMed ID: 32616561). Alternative nucleotide changes affecting the same amino acid (p.Arg125His, p.Arg125Ser, p.Arg125Gly, p.Arg125Pro, p.Arg125Leu) have been reported in individuals with epidermolysis bullosa simplex (Coulombe et al. 1991. PubMed ID: 1717157; Chen et al. 2023. PubMed ID: 36287101; Csikos et al. 2004. PubMed ID: 14987259). The c.373C>T (p.Arg125Cys) variant has not been reported in a large population database, indicating it is rare. In summary, this variant is interpreted as pathogenic.

Labcorp Genetics (formerly Invitae), Labcorp
Classification: Pathogenic. Last evaluated: 2025-11-26. Review status: criteria provided, single submitter. Criteria: Invitae Variant Classification Sherloc (09022015). Collection method: clinical testing. Allele origin: germline.
Comment: This sequence change replaces arginine, which is basic and polar, with cysteine, which is neutral and slightly polar, at codon 125 of the KRT14 protein (p.Arg125Cys). This variant is not present in population databases (gnomAD no frequency). This missense change has been observed in individual(s) with epidermolysis bullosa simplex (PMID: 16098032). In at least one individual the variant was observed to be de novo. ClinVar contains an entry for this variant (Variation ID: 14612). Invitae Evidence Modeling of protein sequence and biophysical properties (such as structural, functional, and spatial information, amino acid conservation, physicochemical variation, residue mobility, and thermodynamic stability) indicates that this missense variant is not expected to disrupt KRT14 protein function with a negative predictive value of 80%. Experimental studies have shown that this missense change affects KRT14 function (PMID: 1717157). For these reasons, this variant has been classified as Pathogenic.

3billion
Classification: Pathogenic for KRT14-related disorder. Last evaluated: 2025-05-08. Review status: criteria provided, single submitter. Criteria: ACMG Guidelines, 2015. Collection method: clinical testing. Allele origin: germline. Affected: yes.
Comment: The variant is observed at an extremely low frequency in the gnomAD v4.1.0 dataset (total allele frequency: <0.001%). Predicted Consequence/Location: The variant is located in a mutational hot spot and/or well-established functional domain in which established pathogenic variants have been reported. In silico tool predictions suggest damaging effect of the variant on gene or gene product [REVEL: 0.90 (>=0.6, sensitivity 0.68 and specificity 0.92); 3Cnet: 0.97 (> 0.75, sensitivity 0.96 and precision 0.92)]. The same nucleotide change resulting in the same amino acid change has been previously reported as pathogenic/likely pathogenic with strong evidence (ClinVar ID: VCV000014612 /PMID: 1717157 /3billion dataset). Different missense changes at the same codon (p.Arg125Gly, p.Arg125His, p.Arg125Leu, p.Arg125Pro, p.Arg125Ser) have been reported as pathogenic/likely pathogenic with strong evidence (ClinVar ID: VCV000014613, VCV000066349 /PMID: 12890194, 14987259, 1717157, 19854623, 7561171). Therefore, this variant is classified as Pathogenic according to the recommendation of ACMG/AMP guideline.

Dasa
Classification: Pathogenic. Last evaluated: 2025-03-23. Review status: criteria provided, single submitter. Criteria: DASA Assertion Criteria. Collection method: clinical testing. Allele origin: germline.
Comment: NM_000526.5(KRT14):c.373C>T (p.Arg125Cys) is a missense variant that results in the substitution of arginine with cysteine. The affected residue or protein region has prior evidence supporting clinical relevance. De novo occurrence has been reported in an individual with related phenotype. Functional evidence supports a deleterious effect on the gene or gene product (PMID: 1717157; PMID: 16098032; PMID: 31957133; PMID: 37452458; PMID: 31772641). This variant has been recurrently observed in individuals with related phenotype (PMID: 1717157; PMID: 16098032; PMID: 31957133; PMID: 37452458; PMID: 31772641). Multiple computational predictions support a deleterious effect on the gene or gene product. The variant is present at low frequency in population datasets. Based on the available data, this variant is classified as pathogenic.

Ambry Genetics
Classification: Pathogenic for Inborn genetic diseases. Last evaluated: 2025-03-03. Review status: criteria provided, single submitter. Criteria: Ambry Variant Classification Scheme 2023. Collection method: clinical testing. Allele origin: germline.
Comment: The c.373C>T (p.R125C) alteration is located in exon 1 (coding exon 1) of the KRT14 gene. This alteration results from a C to T substitution at nucleotide position 373, causing the arginine (R) at amino acid position 125 to be replaced by a cysteine (C). for autosomal dominant KRT14-related epidermolysis bullosa simplex. This variant was not reported in population-based cohorts in the Genome Aggregation Database (gnomAD). This variant has been reported as heterozygous in individuals with features consistent with KRT14-related epidermolysis bullosa simplex; in at least one individual, it was determined to be a de novo variant (Wertheim-Tysarowska, 2016; Zhang, 2019; Chen, 2022; Diociaiuti, 2020; Savostyanov, 2022; Tu, 2022; Suru, 2024). Other variants at the same codon, c.374G>A (p.R125H) and c.374G>T (p.R125L), have been identified in individuals with features consistent with KRT14-related epidermolysis bullosa simplex (Wertheim-Tysarowska, 2016; Savostyanov, 2022; Kosykh, 2024). This amino acid position is highly conserved in available vertebrate species. This alteration is predicted to be deleterious by in silico analysis. Based on the available evidence, this alteration is classified as pathogenic.

Victorian Clinical Genetics Services, Murdoch Childrens Research Institute
Classification: Pathogenic for Epidermolysis bullosa simplex 1A, generalized severe. Last evaluated: 2024-09-19. Review status: criteria provided, single submitter. Criteria: ACMG Guidelines, 2015. Collection method: clinical testing. Allele origin: germline. Inheritance: Autosomal dominant inheritance. Affected: yes.
Comment: Based on the classification scheme VCGS_Germline_v1.3.4, this variant is classified as Pathogenic. Following criteria are met: 0103 - Dominant negative and loss of function are known mechanisms of disease in this gene. Autosomal dominant epidermolysis bullosa simplex (EBS) is caused by dominant negative missense variants located in the central alpha-helical rod domain. Autosomal recessive EBS is caused by loss of function variants affecting more central or distal regions of the protein. Autosomal dominant Naegeli-Franceschetti-Jadassohn syndrome is caused by haploinsufficiency due to N-terminal (E1/V1 domain) null variants (PMID: 16960809). (I) 0108 - This gene is associated with both recessive and dominant disease (OMIM). (I) 0200 - Variant is predicted to result in a missense amino acid change from arginine to cysteine. (I) 0251 - This variant is heterozygous. (I) 0301 - Variant is absent from gnomAD (both v2 and v3). (SP) 0501 - Missense variant consistently predicted to be damaging by multiple in silico tools or highly conserved with a major amino acid change. (SP) 0602 - Variant is located in a hotspot region or cluster of pathogenic variants. It is located at the start of the 1A segment of the rod domain (PMID: 18717745), which is one of the clusters of pathogenic variants associated with severe EBS (GeneReviews). (SP) 0801 - This variant has very strong previous evidence of pathogenicity in unrelated individuals. It is regarded as pathogenic by multiple diagnostic laboratories in ClinVar and is one of the most common pathogenic variants associated with severe EBS (GeneReviews; PMID: 18717745). (SP) 1208 - Inheritance information for this variant is not currently available in this individual. (I) Legend: (SP) - Supporting pathogenic, (I) - Information, (SB) - Supporting benign

Genomic Medicine Center of Excellence, King Faisal Specialist Hospital and Research Centre
Classification: Pathogenic for Epidermolysis bullosa simplex 1A, generalized severe. Last evaluated: 2024-03-29. Review status: criteria provided, single submitter. Criteria: ACMG Guidelines, 2015. Collection method: clinical testing. Allele origin: germline.

Blueprint Genetics
Classification: Pathogenic for KRT14-related disorders. Last evaluated: 2022-12-27. Review status: criteria provided, single submitter. Criteria: ACMG Guidelines, 2015. Collection method: clinical testing. Allele origin: germline. Affected: yes. Observed: 5 variant alleles.

NM_000526.5(KRT14):c.373C>T (p.Arg125Cys)

Gene: KRT14 (keratin 14; minus strand). Cytogenetic location: 17q21.2.
Variant type: single nucleotide variant.
Coding change: c.373C>T on transcript NM_000526.5 (MANE Select); coding-DNA position 373, C replaced by T.
Protein change: p.Arg125Cys; replaces arginine 125 with cysteine.
Molecular consequence: missense variant.
Genome position (GRCh38, 1-based): chr17:41,586,462, G>A on the plus strand (C>T on the coding strand, the complement: KRT14 is on the minus strand). VCF-style: chr17-41586462-G-A. GRCh37 (hg19) VCF-style: chr17-39742714-G-A.
Other names: short protein forms R125C.
Identifiers: ClinVar variation 14612 (VCV000014612.31), dbSNP rs60399023, ClinGen allele CA216919.